The following is an entry in ClinVar:

NM_000553.6(WRN):c.4184A>G (p.Asn1395Ser)

Gene: WRN (WRN RecQ like helicase; plus strand). Cytogenetic location: 8p12.
Variant type: single nucleotide variant.
Coding change: c.4184A>G on transcript NM_000553.6 (MANE Select); coding-DNA position 4184, A replaced by G.
Protein change: p.Asn1395Ser; replaces asparagine 1395 with serine.
Molecular consequence: missense variant.
Genome position (GRCh38, 1-based): chr8:31,167,223, A>G. VCF-style: chr8-31167223-A-G. GRCh37 (hg19) VCF-style: chr8-31024739-A-G.
Other names: short protein forms N1395S.
Identifiers: ClinVar variation 458478 (VCV000458478.7), dbSNP rs755118429, ClinGen allele CA4705276.
Genomic context (GRCh38, chr8:31,167,223, plus strand): 5'-TTCCCGGTTCTGAAGAGATCTGTTCAAGTTCTAAGAGAAGCAAGGAAGAAGTAGGCATCA[A>G]TACTGAGGTATTAATTATATATAGAATTTTCATAAAGTGTCAGTTTGTTCAATTTGCATA-3'
Protein context (NP_000544.2, residues 1385-1405): SKRSKEEVGI[Asn1395Ser]TETSSAERKR

ClinVar aggregate classification (germline): Uncertain significance. Review status: criteria provided, multiple submitters, no conflicts (2 of 4 stars). 2 submissions from 2 submitters: Uncertain significance (2). Last evaluated 2024-11-22.

Conditions:
Inborn genetic diseases. Identifiers: MedGen C0950123, MeSH D030342.
Werner syndrome (WRN). Identifiers: Orphanet 902, MedGen C0043119, MONDO:0010196, OMIM 277700.

Allele frequency attached by ClinVar (database versions not stated): gnomAD exomes below 0.00001 and 0.00001; ExAC 0.00001; gnomAD 0.00004; TOPMed 0.00004.
gnomAD v4.1: 14 of 1,611,838 alleles (0.00087%); highest among the groups gnomAD compares: African/African-American, 0.0027%; no homozygotes.

Submissions (2):

Ambry Genetics
Classification: Uncertain significance for Inborn genetic diseases. Last evaluated: 2024-11-22. Review status: criteria provided, single submitter. Criteria: Ambry Variant Classification Scheme 2023. Collection method: clinical testing. Allele origin: germline.

Labcorp Genetics (formerly Invitae), Labcorp
Classification: Uncertain significance for Werner syndrome. Last evaluated: 2023-11-13. Review status: criteria provided, single submitter. Criteria: Invitae Variant Classification Sherloc (09022015). Collection method: clinical testing. Allele origin: germline.
Comment: This sequence change replaces asparagine, which is neutral and polar, with serine, which is neutral and polar, at codon 1395 of the WRN protein (p.Asn1395Ser). This variant is present in population databases (rs755118429, gnomAD 0.0009%). This variant has not been reported in the literature in individuals affected with WRN-related conditions. ClinVar contains an entry for this variant (Variation ID: 458478). Algorithms developed to predict the effect of missense changes on protein structure and function output the following: SIFT: "Not Available"; PolyPhen-2: "Benign"; Align-GVGD: "Not Available". The serine amino acid residue is found in multiple mammalian species, which suggests that this missense change does not adversely affect protein function. In summary, the available evidence is currently insufficient to determine the role of this variant in disease. Therefore, it has been classified as a Variant of Uncertain Significance.